The following continues an entry in ClinVar:

NM_000138.5(FBN1):c.2860C>T (p.Arg954Cys)

Gene: FBN1. ClinVar aggregate classification (germline): Pathogenic/Likely pathogenic. Pathogenic (9); Likely pathogenic (4).

Submissions 11 to 17 of 17:

ARUP Laboratories, Molecular Genetics and Genomics, ARUP Laboratories
Classification: Pathogenic. Last evaluated: 2018-01-23. Review status: criteria provided, single submitter. Criteria: ARUP Molecular Germline Variant Investigation Process. Collection method: clinical testing. Allele origin: germline.
Comment: The FBN1 c.2860C>T; p.Arg954Cys variant is reported in the literature in patients with Marfan syndrome and Marfan-related disorders (Comeglio 2007, Deng 2008, Hung 2009, Stheneur 2009) and is reported on the FBN1 Universal Mutation Database (UMD). This variant is absent from the general population (1000 Genomes Project, Exome Variant Server, Genome Aggregation Database), indicating it is not a common polymorphism. This variant occurs in a highly conserved residue in one of the TGF-beta binding (TB) domains (Yuan 1997), and computational algorithms (SIFT, PolyPhen2, MutationTaster) predict this variant to be damaging to the protein. TB domains contain eight conserved cysteine residues and the disulfide bridges formed between these residues are essential for protein folding; addition of a cysteine may interfere with proper disulfide bridge formation, disrupting protein structure. Accordingly, the revised Ghent nosology for Marfan syndrome lists the introduction of cysteine residues as one of the criteria for classification of a variant as pathogenic (Loeys 2010). Based on the above information, this variant is considered pathogenic. References: UMD: Comeglio P et al. The importance of mutation detection in Marfan syndrome and Marfan-related disorders: report of 193 FBN1 mutations. Hum Mutat. 2007 Sep;28(9):928. Deng T et al. Late-onset bilateral lens dislocation and glaucoma associated with a novel mutation in FBN1. Mol Vis. 2008 Jun 30;14:1229-33. Hung C et al. Mutation spectrum of the fibrillin-1 (FBN1) gene in Taiwanese patients with Marfan syndrome. Ann Hum Genet. 2009 Nov;73(Pt 6):559-67. Loeys B et al. The revised Ghent nosology for the Marfan syndrome. J Med Genet. 2010 Jul;47(7):476-85. Stheneur C et al. Identification of the minimal combination of clinical features in probands for efficient mutation detection in the FBN1 gene. Eur J Hum Genet. 2009 Sep;17(9):1121-8. Yuan X et al. Solution structure of the transforming growth factor beta-binding protein-like module, a domain associated with matrix fibrils. EMBO J. 1997 Nov 17;16(22):6659-66.

Women's Health and Genetics/Laboratory Corporation of America, LabCorp
Classification: Pathogenic for Marfan Syndrome/Loeys-Dietz Syndrome/Familial Thoracic Aortic Aneurysms and Dissections. Last evaluated: 2016-12-28. Review status: criteria provided, single submitter. Criteria: LabCorp Variant Classification Summary - May 2015. Collection method: clinical testing. Allele origin: germline.
Comment: Variant summary: The FBN1 c.2860C>T (p.Arg954Cys) variant involves the alteration of a conserved nucleotide and is located in TB domain, which contains eight cysteine residues that form four disulfide bonds. This variant adds a new cysteine residue, which might destroy the disulfide bond formation and further influence the structure and function of FBN1 protein. 4/4 in silico tools predict a damaging outcome for this variant. This variant is absent in 116216 control chromosomes including the large and broad populations from ExAC. In literature, this variant has been reported in several patients (at least 13) who have Marfan or Marfanoid Syndrome. In a family, this variant was found to co-segregate with late onset isolated Ectopia Lentis (Deng_2008). The authors discuss that non-conserved arginine to cysteine substitution is highly related to predominant EL regardless of their location. While in one reported Ghent-positive MFS patient, EL was noted (Faivre_2008), information regarding presence or absence of EL has not been provided in other Ghent positive patients. It has also discussed that patients with EL and a FBN1 mutation are to be categorically diagnosed with MFS, if their mutation has previously been described with aortic dilation/dissection (Chandra_2015) and this variant meets this criteria. This variant is also found in patients that do not have isolated EL but atypical/incomplete MFS (Comeglio_2007, Radonic_2011, Sheikhzadeh_2012). Thus, this variant can lead to clinical variability and expressivity of Marfan syndrome. Based on the evidences available, this variant is classified as Pathogenic.

Clinical Genetics and Genomics, Karolinska University Hospital
Classification: Pathogenic. Last evaluated: 2016-01-04. Review status: criteria provided, single submitter. Criteria: ACMG Guidelines, 2015. Collection method: clinical testing. Allele origin: germline. Affected: yes. Observed: 1 variant allele.

PreventionGenetics, part of Exact Sciences
Classification: Pathogenic for FBN1-related condition. Last evaluated: 2023-11-15. Review status: no assertion criteria provided. Collection method: clinical testing. Allele origin: germline. Not counted in ClinVar's aggregate classification.
Comment: The FBN1 c.2860C>T variant is predicted to result in the amino acid substitution p.Arg954Cys. This variant has been reported in multiple individuals with Marfan syndrome (see for example - Comeglio et al. 2007. PubMed ID: 17657824; Stheneur et al. 2009. PubMed ID: 19293843; Hung et al. 2009. PubMed ID: 19839986). This variant was shown to segregate with ectopia lentis in one family (Deng et al. 2008. PubMed ID: 18615205). This variant has not been reported in a large population database, indicating this variant is rare. This variant is interpreted as pathogenic.

deCODE genetics, Amgen
Classification: Likely pathogenic for Marfan syndrome. Last evaluated: 2023-04-10. Review status: no assertion criteria provided. Collection method: research. Allele origin: germline. Affected: yes. Observed: 4 variant alleles. Not counted in ClinVar's aggregate classification.
Comment: Applied ACMG criteria: PM2, PP2, PP3, PP4, PP5_strong

Clinical Genetics DNA and cytogenetics Diagnostics Lab, Erasmus MC, Erasmus Medical Center
Classification: Pathogenic. Review status: no assertion criteria provided. Collection method: clinical testing. Allele origin: germline. Affected: yes. Study: VKGL Data-share Consensus. Not counted in ClinVar's aggregate classification.

Joint Genome Diagnostic Labs from Nijmegen and Maastricht, Radboudumc and MUMC+
Classification: Pathogenic. Review status: no assertion criteria provided. Collection method: clinical testing. Allele origin: germline. Affected: yes. Study: VKGL Data-share Consensus. Not counted in ClinVar's aggregate classification.

Literature cited by the submitters: PubMed 15062093 (cited by Ambry Genetics); PubMed 18615205 (cited by 4 submitters); PubMed 19002209 (cited by 4 submitters); PubMed 19293843 (cited by 3 submitters); PubMed 25907466 (cited by 4 submitters); PubMed 31730815 (cited by Ambry Genetics and Clinical Genomics Laboratory, Stanford Medicine); PubMed 34281902 (cited by Ambry Genetics); PubMed 19839986 (cited by Labcorp Genetics (formerly Invitae), Labcorp and Women's Health and Genetics/Laboratory Corporation of America, LabCorp); PubMed 17657824 (cited by All of Us Research Program, National Institutes of Health and Women's Health and Genetics/Laboratory Corporation of America, LabCorp); PubMed 20591885 (cited by All of Us Research Program, National Institutes of Health); PubMed 21332468 (cited by 3 submitters); PubMed 21883168 (cited by 3 submitters); PubMed 29543232 (cited by All of Us Research Program, National Institutes of Health); PubMed 34818515 (cited by Clinical Genomics Laboratory, Stanford Medicine); PubMed 32209317 (cited by Clinical Genomics Laboratory, Stanford Medicine); PubMed 16571647 (cited by Clinical Genomics Laboratory, Stanford Medicine); PubMed 19328768 (cited by Women's Health and Genetics/Laboratory Corporation of America, LabCorp); PubMed 19012347 (cited by Women's Health and Genetics/Laboratory Corporation of America, LabCorp); PubMed 37684520 (cited by deCODE genetics, Amgen).